The following is an entry in ClinVar:

ClinVar aggregate classification (germline): Likely pathogenic (1 of 4 stars; one submission).

Conditions:
Hereditary cancer-predisposing syndrome. Also called: Neoplastic Syndromes, Hereditary; Tumor predisposition; Hereditary Cancer Syndrome; Hereditary neoplastic syndrome. Identifiers: Orphanet 140162, MedGen C0027672, MeSH D009386, MONDO:0015356.

Submission:

Unidad de Genética Molecular HGU Elche, Hospital General Universitario de Elche
Classification: Likely pathogenic for Hereditary cancer-predisposing syndrome. Last evaluated: 2025-05-05. Review status: criteria provided, single submitter. Criteria: ACMG Guidelines, 2015. Collection method: clinical testing. Allele origin: germline. Affected: yes.
Comment: PVS1 very strong; PM2 supporting

NM_001023.4(RPS20):c.178-2A>C

Gene: RPS20 (ribosomal protein S20; minus strand). Cytogenetic location: 8q12.1.
Variant type: single nucleotide variant.
Coding change: c.178-2A>C on transcript NM_001023.4 (MANE Select); the canonical splice acceptor site of the intron before coding-DNA position 178, A replaced by C.
Molecular consequence: splice acceptor variant.
Genome position (GRCh38, 1-based): chr8:56,073,274, T>G on the plus strand (A>C on the coding strand, the complement: RPS20 is on the minus strand). VCF-style: chr8-56073274-T-G. GRCh37 (hg19) VCF-style: chr8-56985833-T-G.
Other names: c.178-2A>C (NM_001146227.3).
Identifiers: ClinVar variation 3899323 (VCV003899323.1).